The following is an entry in ClinVar:

ClinVar aggregate classification (germline): Uncertain significance (1 of 4 stars; one submission).

Conditions:
Hereditary insensitivity to pain with anhidrosis (CIPA). Also called: HSAN Type IV; NTRK1 Congenital Insensitivity to Pain with Anhidrosis; NEUROPATHY, CONGENITAL SENSORY, WITH ANHIDROSIS; hereditary sensory and autonomic neuropathy type 4; INSENSITIVITY TO PAIN, CONGENITAL, WITH ANHIDROSIS; FAMILIAL DYSAUTONOMIA, TYPE II. Identifiers: Orphanet 642, MedGen C0020074, MONDO:0009746, OMIM 256800.

Allele frequency attached by ClinVar (database versions not stated): gnomAD exomes below 0.00001; ExAC 0.00001; gnomAD 0.00001; 1000 Genomes Project 30x 0.00016; 1000 Genomes Project 0.00020.
gnomAD v4.1: 1 of 1,614,230 alleles (0.000062%); highest among the groups gnomAD compares: Admixed American, 0.0017%; no homozygotes.

Submission:

Labcorp Genetics (formerly Invitae), Labcorp
Classification: Uncertain significance for Hereditary insensitivity to pain with anhidrosis. Last evaluated: 2021-09-30. Review status: criteria provided, single submitter. Criteria: Invitae Variant Classification Sherloc (09022015). Collection method: clinical testing. Allele origin: germline.
Comment: Algorithms developed to predict the effect of sequence changes on RNA splicing suggest that this variant may create or strengthen a splice site. In summary, the available evidence is currently insufficient to determine the role of this variant in disease. Therefore, it has been classified as a Variant of Uncertain Significance. This variant has not been reported in the literature in individuals affected with NTRK1-related conditions. This variant is present in population databases (rs200417700, ExAC 0.009%). This sequence change affects codon 127 of the NTRK1 mRNA. It is a 'silent' change, meaning that it does not change the encoded amino acid sequence of the NTRK1 protein.

NM_002529.4(NTRK1):c.381G>A (p.Leu127=)

Gene: NTRK1 (neurotrophic receptor tyrosine kinase 1; plus strand). Cytogenetic location: 1q23.1.
Variant type: single nucleotide variant.
Coding change: c.381G>A on transcript NM_002529.4 (MANE Select); coding-DNA position 381, G replaced by A.
Protein change: p.Leu127=; no amino-acid change (leucine 127 retained).
Molecular consequence: synonymous variant.
Genome position (GRCh38, 1-based): chr1:156,866,931, G>A. VCF-style: chr1-156866931-G-A. GRCh37 (hg19) VCF-style: chr1-156836723-G-A.
Other names: c.291G>A, p.Leu97= (NM_001007792.1); c.381G>A, p.Leu127= (NM_001012331.2).
Identifiers: ClinVar variation 1499855 (VCV001499855.4), dbSNP rs200417700, ClinGen allele CA1168945.